The following is an entry in ClinVar:

NM_020843.4(SCAPER):c.3683C>T (p.Ala1228Val)

Gene: SCAPER (S-phase cyclin A associated protein in the ER; minus strand). Cytogenetic location: 15q24.3.
Variant type: single nucleotide variant.
Coding change: c.3683C>T on transcript NM_020843.4 (MANE Select); coding-DNA position 3683, C replaced by T.
Protein change: p.Ala1228Val; replaces alanine 1228 with valine.
Molecular consequence: missense variant. On other transcripts: non-coding transcript variant (1).
Genome position (GRCh38, 1-based): chr15:76,381,400, G>A on the plus strand (C>T on the coding strand, the complement: SCAPER is on the minus strand). VCF-style: chr15-76381400-G-A. GRCh37 (hg19) VCF-style: chr15-76673741-G-A.
Other names: c.2945C>T, p.Ala982Val (NM_001145923.2); c.3701C>T, p.Ala1234Val (NM_001353009.2); c.3281C>T, p.Ala1094Val (NM_001353010.2, NM_001353012.2); c.3299C>T, p.Ala1100Val (NM_001353011.2); short protein forms A1234V, A982V, A1094V, A1100V, A1228V.
Identifiers: ClinVar variation 4997953 (VCV004997953.1).

ClinVar aggregate classification (germline): Uncertain significance (1 of 4 stars; one submission).

Conditions:
SCAPER-related disorder. Also called: SCAPER-related condition.

gnomAD v4.1: 1 of 1,613,518 alleles (0.000062%); highest among the groups gnomAD compares: Non-Finnish European, 0.000085%; no homozygotes.

Submission:

PreventionGenetics, part of Exact Sciences
Classification: Uncertain significance for SCAPER-related condition. Last evaluated: 2025-02-06. Review status: criteria provided, single submitter. Criteria: ACMG Guidelines, 2015. Collection method: clinical testing. Allele origin: germline.
Comment: The SCAPER c.3701C>T variant is predicted to result in the amino acid substitution p.Ala1234Val. To our knowledge, this variant has not been reported in the literature or in a large population database (gnomAD), indicating this variant is rare. At this time, the clinical significance of this variant is uncertain due to the absence of conclusive functional and genetic evidence.